The following is an entry in ClinVar:

NM_001253852.3(AP4B1):c.1558C>T (p.Arg520Cys)

Genes: AP4B1 (adaptor related protein complex 4 subunit beta 1; minus strand), AP4B1-AS1 (AP4B1 antisense RNA 1; plus strand). Cytogenetic location: 1p13.2.
Variant type: single nucleotide variant.
Coding change: c.1558C>T on transcript NM_001253852.3 (MANE Select); coding-DNA position 1558, C replaced by T.
Protein change: p.Arg520Cys; replaces arginine 520 with cysteine.
Molecular consequence: missense variant.
Genome position (GRCh38, 1-based): chr1:113,895,991, G>A on the plus strand (C>T on the coding strand, the complement: AP4B1 is on the minus strand). VCF-style: chr1-113895991-G-A. GRCh37 (hg19) VCF-style: chr1-114438613-G-A.
Other names: c.1261C>T, p.Arg421Cys (NM_001253853.3); c.1054C>T, p.Arg352Cys (NM_001308312.2); c.1558C>T, p.Arg520Cys (NM_006594.5); c.1558C>T (NM_001253852.1); short protein forms R520C, R352C, R421C.
Identifiers: ClinVar variation 589547 (VCV000589547.38), dbSNP rs200276550, ClinGen allele CA1015755.
Genomic context (GRCh38, chr1:113,895,991, plus strand): 5'-GGTCAGATTTAGGGCTACACAGAATCCGCTTAACTTCATCAATGCCAACTAAGAGGAGGC[G>A]ATAATAGAAGAGACCTCGGTCCCGTACAGCCATATCTTTTTCTTCCTCTGAGGTAAGACA-3'
Protein context (NP_001240781.1, residues 510-530): AVRDRGLFYY[Arg520Cys]LLLVGIDEVK

ClinVar aggregate classification (germline): Conflicting classifications of pathogenicity. Review status: criteria provided, conflicting classifications (1 of 4 stars). 5 submissions from 5 submitters: Likely pathogenic (2); Uncertain significance (3). Last evaluated 2025-07-22.

Conditions:
Inborn genetic diseases. Identifiers: MedGen C0950123, MeSH D030342.
Hereditary spastic paraplegia 47. Also called: CEREBRAL PALSY, SPASTIC QUADRIPLEGIC, 5; Spastic paraplegia 47, autosomal recessive; adaptor protein 4 (AP-4) deficiency syndrome. Identifiers: Orphanet 280763, MedGen C3279738, MONDO:0013551, OMIM 614066.

Allele frequency attached by ClinVar (database versions not stated): gnomAD 0.00005 and 0.00004; ExAC 0.00007; gnomAD exomes 0.00004; TOPMed 0.00009.

Submissions (5):

Ambry Genetics
Classification: Uncertain significance for Inborn genetic diseases. Last evaluated: 2025-07-22. Review status: criteria provided, single submitter. Criteria: Ambry Variant Classification Scheme 2023. Collection method: clinical testing. Allele origin: germline.

First Genomix Gene Laboratory, Genetic Diagnostics Department
Classification: Likely pathogenic for Hereditary spastic paraplegia 47. Last evaluated: 2025-06-02. Review status: criteria provided, single submitter. Criteria: ACMG Guidelines, 2015. Collection method: clinical testing. Allele origin: germline. Inheritance: Autosomal recessive inheritance. Affected: no. Observed: 1 variant allele.

Neurometabolic Diseases Laboratory, Bellvitge Biomedical Research Institute (IDIBELL)
Classification: Likely pathogenic for Hereditary spastic paraplegia 47. Last evaluated: 2023-04-27. Review status: criteria provided, single submitter. Criteria: ACMG Guidelines, 2015. Collection method: research. Allele origin: germline. Affected: yes.

Genome-Nilou Lab
Classification: Uncertain significance for Hereditary spastic paraplegia 47. Last evaluated: 2023-04-11. Review status: criteria provided, single submitter. Criteria: ACMG Guidelines, 2015. Collection method: clinical testing. Allele origin: germline. Affected: no.

Labcorp Genetics (formerly Invitae), Labcorp
Classification: Uncertain significance for Hereditary spastic paraplegia 47. Last evaluated: 2022-03-04. Review status: criteria provided, single submitter. Criteria: Invitae Variant Classification Sherloc (09022015). Collection method: clinical testing. Allele origin: germline.
Comment: This sequence change replaces arginine, which is basic and polar, with cysteine, which is neutral and slightly polar, at codon 520 of the AP4B1 protein (p.Arg520Cys). This variant is present in population databases (rs200276550, gnomAD 0.03%). This variant has not been reported in the literature in individuals affected with AP4B1-related conditions. ClinVar contains an entry for this variant (Variation ID: 589547). Algorithms developed to predict the effect of missense changes on protein structure and function (SIFT, PolyPhen-2, Align-GVGD) all suggest that this variant is likely to be disruptive. Algorithms developed to predict the effect of sequence changes on RNA splicing suggest that this variant may create or strengthen a splice site. In summary, the available evidence is currently insufficient to determine the role of this variant in disease. Therefore, it has been classified as a Variant of Uncertain Significance.

Literature cited by the submitters: PubMed 39821477 (cited by Ambry Genetics).